The following is an entry in ClinVar:

NC_000021.8:g.(?_43892908)_(44592410_?)dup

Genes: CRYAA (crystallin alpha A; plus strand), ERVH48-1 (endogenous retrovirus group 48 member 1, envelope; minus strand), PDE9A (phosphodiesterase 9A; plus strand), PDE9A-AS1 (PDE9A antisense RNA 1; minus strand), PKNOX1 (PBX/knotted 1 homeobox 1; plus strand) and 42 more. Cytogenetic location: 21q22.3.
Variant type: Duplication.
Identifiers: ClinVar variation 583914 (VCV000583914.2).

ClinVar aggregate classification (germline): Uncertain significance (1 of 4 stars; one submission).

Conditions:
Primary ciliary dyskinesia. Also called: Ciliary dyskinesia. Identifiers: Orphanet 244, MedGen C0008780, MONDO:0016575, HP:0012265.

Submission:

Labcorp Genetics (formerly Invitae), Labcorp
Classification: Uncertain significance for Primary ciliary dyskinesia. Last evaluated: 2019-12-11. Review status: criteria provided, single submitter. Criteria: Invitae Variant Classification Sherloc (09022015). Collection method: clinical testing. Allele origin: germline.
Comment: A gross duplication of the genomic region encompassing the full coding sequence of the RSPH1 gene has been identified. The boundaries of this event are unknown as the duplication extends beyond the assayed region for this gene and therefore may encompass additional genes. As the precise location of this duplication is unknown, it may be in tandem or it may be located elsewhere in the genome. This variant has not been reported in the literature in individuals with RSPH1-related disease. Experimental studies are not available for this duplication, and the functional significance of the extra copy of the RSPH1 gene is currently unknown. In summary, the available evidence is currently insufficient to determine the role of this variant in disease. Therefore, it has been classified as a Variant of Uncertain Significance.